The following is an entry in ClinVar:

ClinVar aggregate classification (germline): Uncertain significance (1 of 4 stars; one submission).

Conditions:
Developmental and epileptic encephalopathy. Identifiers: MedGen C5779964, MONDO:0100620.

Allele frequency attached by ClinVar (database versions not stated): gnomAD exomes 0.00001; gnomAD 0.00002.

Submission:

Labcorp Genetics (formerly Invitae), Labcorp
Classification: Uncertain significance for Early-infantile DEE. Last evaluated: 2022-06-08. Review status: criteria provided, single submitter. Criteria: Invitae Variant Classification Sherloc (09022015). Collection method: clinical testing. Allele origin: germline.
Comment: This variant is not present in population databases (gnomAD no frequency). This sequence change replaces glycine, which is neutral and non-polar, with arginine, which is basic and polar, at codon 24 of the CACNA2D2 protein (p.Gly24Arg). This variant has not been reported in the literature in individuals affected with CACNA2D2-related conditions. In summary, the available evidence is currently insufficient to determine the role of this variant in disease. Therefore, it has been classified as a Variant of Uncertain Significance. Algorithms developed to predict the effect of missense changes on protein structure and function are either unavailable or do not agree on the potential impact of this missense change (SIFT: "Deleterious"; PolyPhen-2: "Not Available"; Align-GVGD: "Class C0").

NM_006030.4(CACNA2D2):c.70G>C (p.Gly24Arg)

Gene: CACNA2D2 (calcium voltage-gated channel auxiliary subunit alpha2delta 2; minus strand). Cytogenetic location: 3p21.31.
Variant type: single nucleotide variant.
Coding change: c.70G>C on transcript NM_006030.4 (MANE Select); coding-DNA position 70, G replaced by C.
Protein change: p.Gly24Arg; replaces glycine 24 with arginine.
Molecular consequence: missense variant. On other transcripts: intron variant (1).
Genome position (GRCh38, 1-based): chr3:50,503,354, C>G on the plus strand (G>C on the coding strand, the complement: CACNA2D2 is on the minus strand). VCF-style: chr3-50503354-C-G. GRCh37 (hg19) VCF-style: chr3-50540785-C-G.
Other names: c.70G>C, p.Gly24Arg (NM_001005505.3, NM_001174051.3, NM_001410768.1); c.-2+715G>C (NM_001291101.1); short protein forms G24R.
Identifiers: ClinVar variation 2160666 (VCV002160666.3), dbSNP rs1699065879, ClinGen allele CA353000435.